The following is an entry in ClinVar:

ClinVar aggregate classification (germline): Uncertain significance (1 of 4 stars; one submission).

Conditions:
Cardiomyopathy (CMYO). Also called: Cardiomyopathies. Identifiers: Orphanet 167848, MedGen C0878544, MONDO:0004994, HP:0001638. Inheritance: Various modes of inheritance.

Submission:

Color Diagnostics, LLC DBA Color Health
Classification: Uncertain significance for Cardiomyopathy. Last evaluated: 2020-04-08. Review status: criteria provided, single submitter. Criteria: ACMG Guidelines, 2015. Collection method: clinical testing. Allele origin: germline.
Comment: This variant inserts 2 nucleotides in exon 15 of the DSG2 gene, creating a frameshift in the last exon. This variant is expected to escape nonsense-mediated decay and be expressed as a protein product containing altered C-terminal sequence. To our knowledge, this variant has not been reported in individuals affected with cardiovascular disorders in the literature. This variant has not been identified in the general population by the Genome Aggregation Database (gnomAD). The available evidence is insufficient to determine the role of this variant in disease conclusively. Therefore, this variant is classified as a Variant of Uncertain Significance.

NM_001943.5(DSG2):c.3061_3062dup (p.Ser1021fs)

Genes: DSG2 (desmoglein 2; plus strand), DSG2-AS1 (DSG2 antisense RNA 1; minus strand). Cytogenetic location: 18q12.1.
Variant type: Microsatellite.
Coding change: c.3061_3062dup on transcript NM_001943.5 (MANE Select); coding-DNA positions 3061 to 3062, 2 bases duplicated (AG; older notation c.3061_3062dupAG).
Protein change: p.Ser1021fs; shifts the reading frame from serine 1021.
Molecular consequence: frameshift variant.
Genome position (GRCh38, 1-based): chr18:31,546,447-31,546,448, AG duplicated; duplicating any 2 consecutive bases within chr18:31,546,441-31,546,448 gives the same sequence; the c. name uses the placement nearest the transcript's 3' end. VCF-style (leftmost placement, unchanged base first): chr18-31546440-A-AAG. GRCh37 (hg19) VCF-style: chr18-29126403-A-AAG.
Other names: short protein forms S1021fs.
Identifiers: ClinVar variation 922221 (VCV000922221.3), dbSNP rs397516706, ClinGen allele CA913188920.